The following is an entry in ClinVar:

NM_001625.4(AK2):c.433C>G (p.His145Asp)

Gene: AK2 (adenylate kinase 2; minus strand). Cytogenetic location: 1p35.1.
Variant type: single nucleotide variant.
Coding change: c.433C>G on transcript NM_001625.4 (MANE Select); coding-DNA position 433, C replaced by G.
Protein change: p.His145Asp; replaces histidine 145 with aspartic acid.
Molecular consequence: missense variant. On other transcripts: nonsense (1), non-coding transcript variant (1).
Genome position (GRCh38, 1-based): chr1:33,014,587, G>C on the plus strand (C>G on the coding strand, the complement: AK2 is on the minus strand). VCF-style: chr1-33014587-G-C. GRCh37 (hg19) VCF-style: chr1-33480188-G-C.
Other names: c.409C>G, p.His137Asp (NM_001199199.3); c.289C>G, p.His97Asp (NM_001319139.3, NM_001319140.2); c.433C>G, p.His145Asp (NM_001319141.3, NM_013411.5); c.307C>G, p.His103Asp (NM_001319142.3); c.338C>G, p.Ser113Ter (NM_001319143.2); short protein forms H97D, H103D, H137D, S113*, H145D.
Identifiers: ClinVar variation 839132 (VCV000839132.9), dbSNP rs749178848, ClinGen allele CA747123.

ClinVar aggregate classification (germline): Uncertain significance (1 of 4 stars; one submission).

Conditions:
Reticular dysgenesis. Also called: ALEUKOCYTOSIS; CONGENITAL ALEUKIA; HEMATOPOIETIC HYPOPLASIA, GENERALIZED; RETICULAR DYSGENESIA; SEVERE COMBINED IMMUNODEFICIENCY WITH LEUKOPENIA; DeVaal disease. Identifiers: Orphanet 33355, MedGen C0272167, MONDO:0009973, OMIM 267500.

Allele frequency attached by ClinVar (database versions not stated): gnomAD exomes 0.00002 and 0.00004; gnomAD 0.00004; ExAC 0.00006.
gnomAD v4.1: 34 of 1,610,906 alleles (0.0021%); highest among the groups gnomAD compares: Admixed American, 0.0017%; no homozygotes.

Submission:

Labcorp Genetics (formerly Invitae), Labcorp
Classification: Uncertain significance for Reticular dysgenesis. Last evaluated: 2023-08-04. Review status: criteria provided, single submitter. Criteria: Invitae Variant Classification Sherloc (09022015). Collection method: clinical testing. Allele origin: germline.
Comment: This variant has not been reported in the literature in individuals affected with AK2-related conditions. ClinVar contains an entry for this variant (Variation ID: 839132). An algorithm developed to predict the effect of missense changes on protein structure and function (PolyPhen-2) suggests that this variant is likely to be disruptive. In summary, the available evidence is currently insufficient to determine the role of this variant in disease. Therefore, it has been classified as a Variant of Uncertain Significance. This variant is present in population databases (rs749178848, gnomAD 0.04%). This sequence change replaces histidine, which is basic and polar, with aspartic acid, which is acidic and polar, at codon 145 of the AK2 protein (p.His145Asp).